The following is an entry in ClinVar:

ClinVar aggregate classification (germline): Uncertain significance (1 of 4 stars; one submission).

Submission:

Ambry Genetics
Classification: Uncertain significance. Last evaluated: 2023-04-11. Review status: criteria provided, single submitter. Criteria: Ambry Variant Classification Scheme 2023. Collection method: clinical testing. Allele origin: germline.
Comment: The p.G1219A variant (also known as c.3656G>C), located in coding exon 32 of the KIF1B gene, results from a G to C substitution at nucleotide position 3656. The glycine at codon 1219 is replaced by alanine, an amino acid with similar properties. This amino acid position is highly conserved in available vertebrate species. In addition, this alteration is predicted to be deleterious by in silico analysis. The evidence for this gene-disease relationship is limited; therefore, the clinical significance of this alteration is unclear.

NM_001365951.3(KIF1B):c.3794G>C (p.Gly1265Ala)

Gene: KIF1B (kinesin family member 1B; plus strand). Cytogenetic location: 1p36.22.
Variant type: single nucleotide variant.
Coding change: c.3794G>C on transcript NM_001365951.3 (MANE Select); coding-DNA position 3794, G replaced by C.
Protein change: p.Gly1265Ala; replaces glycine 1265 with alanine.
Molecular consequence: missense variant.
Genome position (GRCh38, 1-based): chr1:10,345,950, G>C. VCF-style: chr1-10345950-G-C. GRCh37 (hg19) VCF-style: chr1-10406008-G-C.
Other names: c.3794G>C, p.Gly1265Ala (NM_001365952.1); c.3656G>C, p.Gly1219Ala (NM_015074.3); short protein forms G1219A, G1265A.
Identifiers: ClinVar variation 2563596 (VCV002563596.2), dbSNP rs2521777642, ClinGen allele CA338342587.